The following is an entry in ClinVar:

NM_138691.3(TMC1):c.1198A>T (p.Thr400Ser)

Gene: TMC1 (transmembrane channel like 1; plus strand). Cytogenetic location: 9q21.13.
Variant type: single nucleotide variant.
Coding change: c.1198A>T on transcript NM_138691.3 (MANE Select); coding-DNA position 1198, A replaced by T.
Protein change: p.Thr400Ser; replaces threonine 400 with serine.
Molecular consequence: missense variant.
Genome position (GRCh38, 1-based): chr9:72,789,291, A>T. VCF-style: chr9-72789291-A-T. GRCh37 (hg19) VCF-style: chr9-75404207-A-T.
Other names: short protein forms T400S.
Identifiers: ClinVar variation 3063743 (VCV003063743.2), dbSNP rs2489918736, ClinGen allele CA373505072.

ClinVar aggregate classification (germline): Uncertain significance (1 of 4 stars; one submission).

Submission:

Women's Health and Genetics/Laboratory Corporation of America, LabCorp
Classification: Uncertain significance. Last evaluated: 2026-06-23. Review status: criteria provided, single submitter. Criteria: LabCorp Variant Classification Summary - May 2015. Collection method: clinical testing. Allele origin: germline.
Comment: Variant summary: TMC1 c.1198A>T (p.Thr400Ser) results in a conservative amino acid change in the encoded protein sequence. Algorithms developed to predict the effect of missense changes on protein structure and function all suggest that this variant is likely to be tolerated. The variant was absent in 251438 control chromosomes. The available data on variant occurrences in the general population are insufficient to allow any conclusion about variant significance. To our knowledge, no occurrence of c.1198A>T in individuals affected with TMC1-related conditions and no experimental evidence demonstrating its impact on protein function have been reported. ClinVar contains an entry for this variant (Variation ID: 3063743). Based on the evidence outlined above, the variant was classified as uncertain significance.